The following is an entry in ClinVar:

ClinVar aggregate classification (germline): Uncertain significance (1 of 4 stars; one submission).

Conditions:
Cognitive impairment - coarse facies - heart defects - obesity - pulmonary involvement - short stature - skeletal dysplasia syndrome. Also called: COGNITIVE IMPAIRMENT, COARSE FACIES, HEART DEFECTS, OBESITY, PULMONARY INVOLVEMENT, SHORT STATURE, AND SKELETAL DYSPLASIA; Chops syndrome; AFF4-Related CHOPS Syndrome. Identifiers: Orphanet 444077, MedGen C4085597, MONDO:0014609, OMIM 616368.

gnomAD v4.1: 1 of 1,614,176 alleles (0.000062%); no homozygotes.

Submission:

Labcorp Genetics (formerly Invitae), Labcorp
Classification: Uncertain significance for Cognitive impairment - coarse facies - heart defects - obesity - pulmonary involvement - short stature - skeletal dysplasia syndrome. Last evaluated: 2025-11-27. Review status: criteria provided, single submitter. Criteria: Invitae Variant Classification Sherloc (09022015). Collection method: clinical testing. Allele origin: germline.
Comment: This sequence change replaces asparagine, which is neutral and polar, with aspartic acid, which is acidic and polar, at codon 454 of the AFF4 protein (p.Asn454Asp). This variant is not present in population databases (gnomAD no frequency). This variant has not been reported in the literature in individuals affected with AFF4-related conditions. Invitae Evidence Modeling of protein sequence and biophysical properties (such as structural, functional, and spatial information, amino acid conservation, physicochemical variation, residue mobility, and thermodynamic stability) has been performed for this missense variant. However, the output from this modeling did not meet the statistical confidence thresholds required to predict the impact of this variant on AFF4 protein function. In summary, the available evidence is currently insufficient to determine the role of this variant in disease. Therefore, it has been classified as a Variant of Uncertain Significance.

NM_014423.4(AFF4):c.1360A>G (p.Asn454Asp)

Gene: AFF4 (ALF transcription elongation factor 4; minus strand). Cytogenetic location: 5q31.1.
Variant type: single nucleotide variant.
Coding change: c.1360A>G on transcript NM_014423.4 (MANE Select); coding-DNA position 1360, A replaced by G.
Protein change: p.Asn454Asp; replaces asparagine 454 with aspartic acid.
Molecular consequence: missense variant.
Genome position (GRCh38, 1-based): chr5:132,898,259, T>C on the plus strand (A>G on the coding strand, the complement: AFF4 is on the minus strand). VCF-style: chr5-132898259-T-C. GRCh37 (hg19) VCF-style: chr5-132233951-T-C.
Other names: short protein forms N454D.
Identifiers: ClinVar variation 4737694 (VCV004737694.1).